The following is an entry in ClinVar:

ClinVar aggregate classification (germline): Uncertain significance (1 of 4 stars; one submission).

Conditions:
Inborn genetic diseases. Identifiers: MedGen C0950123, MeSH D030342.

Submission:

Ambry Genetics
Classification: Uncertain significance for Inborn genetic diseases. Last evaluated: 2026-07-09. Review status: criteria provided, single submitter. Criteria: Ambry Variant Classification Scheme 2023. Collection method: clinical testing. Allele origin: germline.
Comment: The p.L935R variant (also known as c.2804T>G), located in coding exon 1 of the SAMD9 gene, results from a T to G substitution at nucleotide position 2804. The leucine at codon 935 is replaced by arginine, an amino acid with dissimilar properties. This amino acid position is conserved. In addition, the in silico prediction for this alteration is inconclusive. Based on the available evidence, the clinical significance of this variant remains unclear.

NM_017654.4(SAMD9):c.2804T>G (p.Leu935Arg)

Gene: SAMD9 (sterile alpha motif domain containing 9; minus strand). Cytogenetic location: 7q21.2.
Variant type: single nucleotide variant.
Coding change: c.2804T>G on transcript NM_017654.4 (MANE Select); coding-DNA position 2804, T replaced by G.
Protein change: p.Leu935Arg; replaces leucine 935 with arginine.
Molecular consequence: missense variant.
Genome position (GRCh38, 1-based): chr7:93,103,294, A>C on the plus strand (T>G on the coding strand, the complement: SAMD9 is on the minus strand). VCF-style: chr7-93103294-A-C. GRCh37 (hg19) VCF-style: chr7-92732607-A-C.
Other names: c.2804T>G, p.Leu935Arg (NM_001193307.2); short protein forms L935R.
Identifiers: ClinVar variation 5028754 (VCV005028754.1).